The following is an entry in ClinVar:

NM_006904.7(PRKDC):c.7028A>G (p.Glu2343Gly)

Gene: PRKDC (protein kinase, DNA-activated, catalytic subunit; minus strand). Cytogenetic location: 8q11.21.
Variant type: single nucleotide variant.
Coding change: c.7028A>G on transcript NM_006904.7 (MANE Select); coding-DNA position 7028, A replaced by G.
Protein change: p.Glu2343Gly; replaces glutamic acid 2343 with glycine.
Molecular consequence: missense variant.
Genome position (GRCh38, 1-based): chr8:47,849,481, T>C on the plus strand (A>G on the coding strand, the complement: PRKDC is on the minus strand). VCF-style: chr8-47849481-T-C. GRCh37 (hg19) VCF-style: chr8-48762042-T-C.
Other names: c.7028A>G, p.Glu2343Gly (NM_001081640.2); short protein forms E2343G.
Identifiers: ClinVar variation 1756750 (VCV001756750.2), dbSNP rs2551868750, ClinGen allele CA371158023.
Genomic context (GRCh38, chr8:47,849,481, plus strand): 5'-CACACAATAAACTTGTCCTCCATAGTATTCTGATGTTGCTTCAATTGTTTCGCAACCAGT[T>C]CACACAGAGACTCCTCCAGTATCTGAAAAATTAAGTTTATTTTCAAATACACAAAAGTGG-3'
Protein context (NP_008835.5, residues 2333-2353): RKNILEESLC[Glu2343Gly]LVAKQLKQHQ

ClinVar aggregate classification (germline): Uncertain significance (1 of 4 stars; one submission).

Submission:

Ambry Genetics
Classification: Uncertain significance. Last evaluated: 2022-08-28. Review status: criteria provided, single submitter. Criteria: Ambry Variant Classification Scheme 2023. Collection method: clinical testing. Allele origin: germline.
Comment: The p.E2343G variant (also known as c.7028A>G), located in coding exon 53 of the PRKDC gene, results from an A to G substitution at nucleotide position 7028. The glutamic acid at codon 2343 is replaced by glycine, an amino acid with similar properties. This amino acid position is conserved. Since supporting evidence is limited at this time, the clinical significance of this alteration remains unclear.